The following is an entry in ClinVar:

NM_003850.3(SUCLA2):c.*661C>A

Gene: SUCLA2 (succinate-CoA ligase ADP-forming subunit beta; minus strand). Cytogenetic location: 13q14.2.
Variant type: single nucleotide variant.
Coding change: c.*661C>A on transcript NM_003850.3 (MANE Select); 661 bases downstream of the stop codon, C replaced by A.
Molecular consequence: 3 prime UTR variant.
Genome position (GRCh38, 1-based): chr13:47,942,710, G>T on the plus strand (C>A on the coding strand, the complement: SUCLA2 is on the minus strand). VCF-style: chr13-47942710-G-T. GRCh37 (hg19) VCF-style: chr13-48516845-G-T.
Identifiers: ClinVar variation 312254 (VCV000312254.6), dbSNP rs10397, ClinGen allele CA10634429.

ClinVar aggregate classification (germline): Benign. Review status: criteria provided, multiple submitters, no conflicts (2 of 4 stars). 2 submissions from 2 submitters: Benign (2). Last evaluated 2018-01-12.

Conditions:
Mitochondrial DNA depletion syndrome, encephalomyopathic form with methylmalonic aciduria (MTDPS5). Also called: Mitochondrial encephalomyopathy aminoacidopathy; MITOCHONDRIAL DNA DEPLETION SYNDROME, ENCEPHALOMYOPATHIC FORM, WITH OR WITHOUT METHYLMALONIC ACIDURIA, AUTOSOMAL RECESSIVE, SUCLA2-RELATED; Mitochondrial DNA depletion syndrome 5 (encephalomyopathic with or without methylmalonic aciduria); SUCLA2-Related Mitochondrial DNA Depletion Syndrome, Encephalomyopathic Form with Methylmalonic Aciduria. Identifiers: Orphanet 1933, MedGen C5980207, MONDO:0012791, OMIM 612073.

Allele frequency attached by ClinVar (database versions not stated): gnomAD exomes 0.07143; 1000 Genomes Project 30x 0.08120; TOPMed 0.08162; 1000 Genomes Project 0.08227.

Submissions (2):

Illumina Laboratory Services, Illumina
Classification: Benign for Mitochondrial DNA depletion syndrome, encephalomyopathic form with methylmalonic aciduria. Last evaluated: 2018-01-12. Review status: criteria provided, single submitter. Criteria: ICSL Variant Classification Criteria 13 December 2019. Collection method: clinical testing. Allele origin: germline.
Comment: This variant was observed in the ICSL laboratory as part of a predisposition screen in an ostensibly healthy population. It had not been previously curated by ICSL or reported in the Human Gene Mutation Database (HGMD: prior to June 1st, 2018), and was therefore a candidate for classification through an automated scoring system. Utilizing variant allele frequency, disease prevalence and penetrance estimates, and inheritance mode, an automated score was calculated to assess if this variant is too frequent to cause the disease. Based on the score and internal cut-off values, a variant classified as benign is not then subjected to further curation. The score for this variant resulted in a classification of benign for this disease.

Breakthrough Genomics
Classification: Benign. Review status: criteria provided, single submitter. Criteria: ACMG Guidelines, 2015. Collection method: not provided. Allele origin: germline. Inheritance: Autosomal recessive inheritance. Affected: yes.